The following is an entry in ClinVar:

ClinVar aggregate classification (germline): Pathogenic (1 of 4 stars; one submission).

Conditions:
Bartter syndrome. Identifiers: Orphanet 112, MedGen C0004775, MONDO:0015231.

Submission:

Natera, Inc.
Classification: Pathogenic for Bartter syndrome. Last evaluated: 2024-12-14. Review status: criteria provided, single submitter. Criteria: Natera Variant Classification Schema (03/2026). Collection method: clinical testing. Allele origin: germline.
Comment: The c.177+2T>A variant in BSND is a canonical splice donor site variant predicted to affect pre-mRNA splicing, which may result in an abnormal transcript and altered protein product. This variant is expected to result in nonsense mediated decay, truncation, or a dysfunctional protein product. This variant is rare in the general population with a frequency below the threshold expected for the associated phenotype(s). This variant has been observed in one or more individuals affected with the associated recessive disease, as either homozygous or compound heterozygous with a second variant (PMID: 29398133). Given the available evidence, this variant is classified as Pathogenic.

Literature cited by the submitters: PubMed 29398133.

NM_057176.3(BSND):c.177+2T>A

Gene: BSND (barttin CLCNK type accessory subunit beta; plus strand). Cytogenetic location: 1p32.3.
Variant type: single nucleotide variant.
Coding change: c.177+2T>A on transcript NM_057176.3 (MANE Select); the canonical splice donor site of the intron after coding-DNA position 177, T replaced by A.
Molecular consequence: splice donor variant.
Genome position (GRCh38, 1-based): chr1:54,999,365, T>A. VCF-style: chr1-54999365-T-A. GRCh37 (hg19) VCF-style: chr1-55465038-T-A.
Identifiers: ClinVar variation 4816444 (VCV004816444.1).
Genomic context (GRCh38, chr1:54,999,365, plus strand): 5'-TGGGCAGCGTCATGGTGATCGGGGGCATCATCTGGAGCATGTGCCAGTGCTACCCCAAGG[T>A]AGGTGGTAGTGGGGCTGGGTGGGGCCAGGTCAGCTGGGGCCAGGAGGGCTGGACACTGTG-3'